The following is an entry in ClinVar:

NM_004960.4(FUS):c.484A>C (p.Asn162His)

Gene: FUS (FUS RNA binding protein; plus strand). Cytogenetic location: 16p11.2.
Variant type: single nucleotide variant.
Coding change: c.484A>C on transcript NM_004960.4 (MANE Select); coding-DNA position 484, A replaced by C.
Protein change: p.Asn162His; replaces asparagine 162 with histidine.
Molecular consequence: missense variant. On other transcripts: non-coding transcript variant (1).
Genome position (GRCh38, 1-based): chr16:31,184,357, A>C. VCF-style: chr16-31184357-A-C. GRCh37 (hg19) VCF-style: chr16-31195678-A-C.
Other names: c.481A>C, p.Asn161His (NM_001170634.1); c.484A>C, p.Asn162His (NM_001170937.1); short protein forms N161H, N162H.
Identifiers: ClinVar variation 1519291 (VCV001519291.8), dbSNP rs200264565, ClinGen allele CA8023630.

ClinVar aggregate classification (germline): Conflicting classifications of pathogenicity. Review status: criteria provided, conflicting classifications (1 of 4 stars). 2 submissions from 2 submitters: Uncertain significance (1); Likely benign (1). Last evaluated 2024-01-13.

Conditions:
Inborn genetic diseases. Identifiers: MedGen C0950123, MeSH D030342.
Tremor, hereditary essential, 4 (ETM4). Identifiers: MedGen C3539195, MONDO:0013888, OMIM 614782.
Amyotrophic lateral sclerosis type 6. Also called: FUS-Related Amyotrophic Laterial Sclerosis; AMYOTROPHIC LATERAL SCLEROSIS 6 WITHOUT FRONTOTEMPORAL DEMENTIA; Amyotrophic lateral sclerosis 6, with or without frontotemporal dementia. Identifiers: Orphanet 275872, Orphanet 803, MedGen C2931786, MONDO:0011951, OMIM 608030.

Allele frequency attached by ClinVar (database versions not stated): gnomAD exomes 0.00001 and 0.00005; gnomAD 0.00004; ExAC 0.00005; TOPMed 0.00008; 1000 Genomes Project 0.00040; 1000 Genomes Project 30x 0.00047.
gnomAD v4.1: 32 of 1,614,104 alleles (0.002%); highest among the groups gnomAD compares: Admixed American, 0.032%; no homozygotes.

Submissions (2):

Labcorp Genetics (formerly Invitae), Labcorp
Classification: Uncertain significance for Tremor, hereditary essential, 4; Amyotrophic lateral sclerosis type 6. Last evaluated: 2024-01-13. Review status: criteria provided, single submitter. Criteria: Invitae Variant Classification Sherloc (09022015). Collection method: clinical testing. Allele origin: germline.
Comment: This sequence change replaces asparagine, which is neutral and polar, with histidine, which is basic and polar, at codon 162 of the FUS protein (p.Asn162His). This variant is present in population databases (rs200264565, gnomAD 0.03%). This variant has not been reported in the literature in individuals affected with FUS-related conditions. ClinVar contains an entry for this variant (Variation ID: 1519291). Experimental studies and prediction algorithms are not available or were not evaluated, and the functional significance of this variant is currently unknown. In summary, the available evidence is currently insufficient to determine the role of this variant in disease. Therefore, it has been classified as a Variant of Uncertain Significance.

Ambry Genetics
Classification: Likely benign for Inborn genetic diseases. Last evaluated: 2019-12-19. Review status: criteria provided, single submitter. Criteria: Ambry Variant Classification Scheme 2023. Collection method: clinical testing. Allele origin: germline.